The following is an entry in ClinVar:

NM_001135649.3(FOXI3):c.139GCC[3] (p.Ala50del)

Gene: FOXI3 (forkhead box I3; minus strand). Cytogenetic location: 2p11.2.
Variant type: Microsatellite.
Coding change: c.139GCC[3] on transcript NM_001135649.3 (MANE Select); three copies in a row of the 3-base unit GCC starting at c.139; the reference has four copies in a row; one copy, 3 bases deleted.
Protein change: p.Ala50del; deletes alanine 50.
Molecular consequence: inframe deletion.
Genome position (GRCh38, 1-based): chr2:88,452,386-88,452,388, GGC deleted on the plus strand (GCC on the coding strand, the reverse complement: FOXI3 is on the minus strand); deleting any 3 consecutive bases within chr2:88,452,386-88,452,397 gives the same sequence; the position shown is the placement nearest the transcript's 3' end. VCF-style (leftmost placement, unchanged base first): chr2-88452385-TGGC-T. GRCh37 (hg19) VCF-style: chr2-88751903-TGGC-T.
Other names: short protein forms A50del.
Identifiers: ClinVar variation 1471841 (VCV001471841.6), dbSNP rs1243033940, ClinGen allele CA534638485.
Genomic context (GRCh38, chr2:88,452,385, plus strand): 5'-CTGCGGCGGCGGCGGAGGGCGGGCCTCCCACGCCGGGCCCGTTGAGCCACAGGTAGGGGT[TGGC>T]GGCGGCGGCCGGCGGCGCGGCGTAGTCGGCCAGCCCGTAAGGCGCCCTGGCTGCCGGGGG-3'

ClinVar aggregate classification (germline): Uncertain significance (1 of 4 stars; one submission).

Submission:

Labcorp Genetics (formerly Invitae), Labcorp
Classification: Uncertain significance. Last evaluated: 2023-08-17. Review status: criteria provided, single submitter. Criteria: Invitae Variant Classification Sherloc (09022015). Collection method: clinical testing. Allele origin: germline.
Comment: In summary, the available evidence is currently insufficient to determine the role of this variant in disease. Therefore, it has been classified as a Variant of Uncertain Significance. Experimental studies and prediction algorithms are not available or were not evaluated, and the functional significance of this variant is currently unknown. This variant has not been reported in the literature in individuals affected with FOXI3-related conditions. The frequency data for this variant in the population databases is considered unreliable, as metrics indicate insufficient coverage at this position in the gnomAD database. This variant, c.148_150del, results in the deletion of 1 amino acid(s) of the FOXI3 protein (p.Ala50del), but otherwise preserves the integrity of the reading frame.